The following is an entry in ClinVar:

ClinVar aggregate classification (germline): Uncertain significance. Review status: criteria provided, multiple submitters, no conflicts (2 of 4 stars). 3 submissions from 3 submitters: Uncertain significance (3). Last evaluated 2025-03-13.

Conditions:
Wiskott-Aldrich syndrome 2 (WAS2). Also called: WIPF1 DEFICIENCY. Identifiers: Orphanet 906, MedGen C3281001, MONDO:0013779, OMIM 614493.

Allele frequency attached by ClinVar (database versions not stated): gnomAD 0.00001; gnomAD exomes 0.00001 and 0.00010; TOPMed 0.00003.
gnomAD v4.1: 142 of 1,581,854 alleles (0.009%); highest among the groups gnomAD compares: Non-Finnish European, 0.012%; no homozygotes.

Submissions (3):

Laboratorio de Genetica e Diagnostico Molecular, Hospital Israelita Albert Einstein
Classification: Uncertain significance for Wiskott-Aldrich syndrome 2. Last evaluated: 2025-03-13. Review status: criteria provided, single submitter. Criteria: ACMG Guidelines, 2015. Collection method: clinical testing. Allele origin: germline. Affected: yes.
Comment: ACMG classification criteria: BP4 supporting

Labcorp Genetics (formerly Invitae), Labcorp
Classification: Uncertain significance for Wiskott-Aldrich syndrome 2. Last evaluated: 2024-03-11. Review status: criteria provided, single submitter. Criteria: Invitae Variant Classification Sherloc (09022015). Collection method: clinical testing. Allele origin: germline.
Comment: This sequence change replaces proline, which is neutral and non-polar, with leucine, which is neutral and non-polar, at codon 287 of the WIPF1 protein (p.Pro287Leu). This variant is present in population databases (no rsID available, gnomAD 0.002%). This variant has not been reported in the literature in individuals affected with WIPF1-related conditions. ClinVar contains an entry for this variant (Variation ID: 570714). An algorithm developed to predict the effect of missense changes on protein structure and function (PolyPhen-2) suggests that this variant¬†is likely to be tolerated. In summary, the available evidence is currently insufficient to determine the role of this variant in disease. Therefore, it has been classified as a Variant of Uncertain Significance.

Revvity Omics, Revvity
Classification: Uncertain significance for Wiskott-Aldrich syndrome 2. Last evaluated: 2019-07-19. Review status: criteria provided, single submitter. Criteria: ACMG Guidelines, 2015. Collection method: clinical testing. Allele origin: germline.

NM_001375834.1(WIPF1):c.860C>T (p.Pro287Leu)

Gene: WIPF1 (WAS/WASL interacting protein family member 1; minus strand). Cytogenetic location: 2q31.1.
Variant type: single nucleotide variant.
Coding change: c.860C>T on transcript NM_001375834.1 (MANE Select); coding-DNA position 860, C replaced by T.
Protein change: p.Pro287Leu; replaces proline 287 with leucine.
Molecular consequence: missense variant.
Genome position (GRCh38, 1-based): chr2:174,571,945, G>A on the plus strand (C>T on the coding strand, the complement: WIPF1 is on the minus strand). VCF-style: chr2-174571945-G-A. GRCh37 (hg19) VCF-style: chr2-175436673-G-A.
Other names: c.860C>T, p.Pro287Leu (NM_001077269.1, NM_001375832.1, NM_001375833.1 and 5 more transcripts); c.482C>T, p.Pro161Leu (NM_001375839.1); short protein forms P287L, P161L.
Identifiers: ClinVar variation 570714 (VCV000570714.11), dbSNP rs891642872, ClinGen allele CA60843275.